The following is an entry in ClinVar:

ClinVar aggregate classification (germline): Uncertain significance (1 of 4 stars; one submission).

Allele frequency attached by ClinVar (database versions not stated): TOPMed 0.00002.

Submission:

Labcorp Genetics (formerly Invitae), Labcorp
Classification: Uncertain significance. Last evaluated: 2024-05-16. Review status: criteria provided, single submitter. Criteria: Invitae Variant Classification Sherloc (09022015). Collection method: clinical testing. Allele origin: germline.
Comment: This sequence change replaces aspartic acid, which is acidic and polar, with histidine, which is basic and polar, at codon 690 of the STAT4 protein (p.Asp690His). This variant is not present in population databases (gnomAD no frequency). This variant has not been reported in the literature in individuals affected with STAT4-related conditions. ClinVar contains an entry for this variant (Variation ID: 1905541). An algorithm developed to predict the effect of missense changes on protein structure and function (PolyPhen-2) suggests that this variant is likely to be tolerated. In summary, the available evidence is currently insufficient to determine the role of this variant in disease. Therefore, it has been classified as a Variant of Uncertain Significance.

NM_003151.4(STAT4):c.2068G>C (p.Asp690His)

Genes: STAT4 (signal transducer and activator of transcription 4; minus strand), STAT4-AS1 (STAT4 antisense RNA 1; plus strand). Cytogenetic location: 2q32.2.
Variant type: single nucleotide variant.
Coding change: c.2068G>C on transcript NM_003151.4 (MANE Select); coding-DNA position 2068, G replaced by C.
Protein change: p.Asp690His; replaces aspartic acid 690 with histidine.
Molecular consequence: missense variant.
Genome position (GRCh38, 1-based): chr2:191,031,493, C>G on the plus strand (G>C on the coding strand, the complement: STAT4 is on the minus strand). VCF-style: chr2-191031493-C-G. GRCh37 (hg19) VCF-style: chr2-191896219-C-G.
Other names: c.2068G>C, p.Asp690His (NM_001243835.2); short protein forms D690H.
Identifiers: ClinVar variation 1905541 (VCV001905541.5), dbSNP rs915485744, ClinGen allele CA62672957.